The following is an entry in ClinVar:

NM_000284.4(PDHA1):c.787C>T (p.Arg263Ter)

Gene: PDHA1 (pyruvate dehydrogenase E1 subunit alpha 1; plus strand). Cytogenetic location: Xp22.12.
Variant type: single nucleotide variant.
Coding change: c.787C>T on transcript NM_000284.4 (MANE Select); coding-DNA position 787, C replaced by T.
Protein change: p.Arg263Ter; replaces arginine 263 with a stop codon.
Molecular consequence: nonsense.
Genome position (GRCh38, 1-based): chrX:19,355,713, C>T. VCF-style: chrX-19355713-C-T. GRCh37 (hg19) VCF-style: chrX-19373831-C-T.
Other names: c.901C>T (NM_001173454.1); c.901C>T, p.Arg301Ter (NM_001173454.2); c.808C>T, p.Arg270Ter (NM_001173455.2); c.694C>T, p.Arg232Ter (NM_001173456.2); short protein forms R232*, R263*, R270*, R301*.
Identifiers: ClinVar variation 1190221 (VCV001190221.11), dbSNP rs137853259, ClinGen allele CA412394772.

ClinVar aggregate classification (germline): Pathogenic. Review status: criteria provided, multiple submitters, no conflicts (2 of 4 stars). 7 submissions from 7 submitters: Pathogenic (6). 1 of the submissions does not count toward it. Last evaluated 2026-06-01.

Conditions:
Inborn genetic diseases. Identifiers: MedGen C0950123, MeSH D030342.
Pyruvate dehydrogenase E1-alpha deficiency (PDHAD). Also called: ATAXIA, INTERMITTENT, WITH PYRUVATE DEHYDROGENASE DEFICIENCY; ATAXIA WITH LACTIC ACIDOSIS I; ATAXIA, INTERMITTENT, WITH ABNORMAL PYRUVATE METABOLISM; Ataxia, intermittent, with pyruvate dehydrogenase, or decarboxylase, deficiency. Identifiers: Orphanet 79243, MedGen C1839413, MONDO:0010717, OMIM 312170.

Submissions (7):

CeGaT Center for Human Genetics Tuebingen
Classification: Pathogenic. Last evaluated: 2026-06-01. Review status: criteria provided, single submitter. Criteria: CeGaT Center For Human Genetics Tuebingen Variant Classification Criteria Version 2. Collection method: clinical testing. Allele origin: germline. Affected: yes. Observed: 1 variant allele.
Comment: PDHA1: PVS1, PM2, PS4:Supporting

MVZ Martinsried, Medicover Genetics
Classification: Pathogenic for Pyruvate dehydrogenase E1-alpha deficiency. Last evaluated: 2025-10-09. Review status: criteria provided, single submitter. Criteria: ClinGen Variant Curation SOP V3.2 + Classification Guidance July2025. Collection method: clinical testing. Allele origin: de novo. Affected: yes. Observed: 1 heterozygote.

Ambry Genetics
Classification: Pathogenic for Inborn genetic diseases. Last evaluated: 2025-02-03. Review status: criteria provided, single submitter. Criteria: Ambry Variant Classification Scheme 2023. Collection method: clinical testing. Allele origin: germline.
Comment: The c.787C>T (p.R263*) alteration, located in exon 8 (coding exon 8) of the PDHA1 gene, consists of a C to T substitution at nucleotide position 787. This changes the amino acid from an arginine (R) to a stop codon at amino acid position 263. This alteration is expected to result in loss of function by premature protein truncation or nonsense-mediated mRNA decay. This variant was not reported in population-based cohorts in the Genome Aggregation Database (gnomAD). This variant was reported in individuals with features consistent with pyruvate dehydrogenase E1-alpha deficiency; at least one individual was mosaic for this variant (Sato, 2010; Imbard, 2011). Based on the available evidence, this alteration is classified as pathogenic.

GeneDx
Classification: Pathogenic. Last evaluated: 2021-12-27. Review status: criteria provided, single submitter. Criteria: GeneDx Variant Classification Process June 2021. Collection method: clinical testing. Allele origin: germline. Affected: yes.
Comment: Identified in patients with pyruvate dehydrogenase deficiency in the published literature (Ridout et al., 2008; Sato et al., 2010); Nonsense variant predicted to result in protein truncation or nonsense mediated decay in a gene for which loss-of-function is a known mechanism of disease; Not observed in large population cohorts (Lek et al., 2016); This variant is associated with the following publications: (PMID: 18709504, 25525159, 20958858)

Neuberg Centre For Genomic Medicine, NCGM
Classification: Pathogenic for Pyruvate dehydrogenase E1-alpha deficiency. Review status: criteria provided, single submitter. Criteria: ACMG Guidelines, 2015. Collection method: clinical testing. Allele origin: germline. Affected: yes.
Comment: The stop gained variant has been reported previously in heterozygous state in a patient affected with pyruvate dehydrogenase complex deficiency (Sato S. et al., 2010). The variant is novel (not in any individuals) in gnomAD Exomes and is novel (not in any individuals) in 1000 Genomes. It has been submitted to ClinVar as a pathogenic variant. This variant is predicted to cause loss of normal protein function through protein truncation. Loss of function variants have been previously reported to be disease causing. For these reasons, this variant has been classified as Pathogenic.

Suma Genomics
Classification: Pathogenic for Pyruvate dehydrogenase E1-alpha deficiency. Review status: criteria provided, single submitter. Criteria: ACMG Guidelines, 2015. Collection method: clinical testing. Allele origin: de novo. Inheritance: X-linked inheritance. Affected: yes.

PDHA1 Study Group, University Children’s Hospital, Paracelsus Medical University
Classification: Pathogenic for Pyruvate dehydrogenase E1-alpha deficiency. Last evaluated: 2024-10-15. Review status: no assertion criteria provided. Collection method: research. Allele origin: de novo. Affected: yes. Observed: 10 variant alleles. Not counted in ClinVar's aggregate classification.
Comment: The NM_000284.3:c.787C>T (p.Arg263Ter) change is a nonsense variant in the PDHA1 gene. This variant is predicted to result in nonsense-mediated decay (NMD). In total, 10 individuals diagnosed with PDHA1-related pyruvate dehydrogenase complex (PDHc) deficiency (MIM #312170) harbor this variant, including 2 males and 8 females. Among these, 3 cases have confirmed de novo occurrence. The variant is reported in 3 published cases (PMIDs: 21914562, 28918066, 23021068), with an additional 7 unpublished cases from internal data. The last literature search is conducted on July 12, 2024. Individuals present with clinical features compatible with PDHA1-related PDHc deficiency. Based on the ACMG/AMP criteria applied (PVS1, PS3, PM2, PM7), this variant is classified as pathogenic (P) (last assessment October 15, 2024).

Literature cited by the submitters: PubMed 20958858 (cited by Ambry Genetics); PubMed 21914562 (cited by Ambry Genetics and PDHA1 Study Group, University Children’s Hospital, Paracelsus Medical University); PubMed 28918066 (cited by PDHA1 Study Group, University Children’s Hospital, Paracelsus Medical University); PubMed 23021068 (cited by PDHA1 Study Group, University Children’s Hospital, Paracelsus Medical University); DOI 10.1093/brain/awaf430 (cited by PDHA1 Study Group, University Children’s Hospital, Paracelsus Medical University).